The following is an entry in ClinVar:

NM_032444.4(SLX4):c.1450G>A (p.Glu484Lys)

Gene: SLX4 (SLX4 structure-specific endonuclease subunit; minus strand). Cytogenetic location: 16p13.3.
Variant type: single nucleotide variant.
Coding change: c.1450G>A on transcript NM_032444.4 (MANE Select); coding-DNA position 1450, G replaced by A.
Protein change: p.Glu484Lys; replaces glutamic acid 484 with lysine.
Molecular consequence: missense variant.
Genome position (GRCh38, 1-based): chr16:3,597,612, C>T on the plus strand (G>A on the coding strand, the complement: SLX4 is on the minus strand). VCF-style: chr16-3597612-C-T. GRCh37 (hg19) VCF-style: chr16-3647613-C-T.
Other names: short protein forms E484K.
Identifiers: ClinVar variation 2068375 (VCV002068375.4), dbSNP rs2151131455, ClinGen allele CA394529046.
Genomic context (GRCh38, chr16:3,597,612, plus strand): 5'-GAAGTGGTGGCGTGCTAGACAATTCCACTTCCTCAGAGAGGAGCAGGGCCACACGGTCCT[C>T]TATCTGTCGGCCTGTGGTTTCAGAGTCCTGGACTAACAACAATGGGGGGGATACCGGGGG-3'
Protein context (NP_115820.2, residues 474-494): QDSETTGRQI[Glu484Lys]DRVALLLSEE

ClinVar aggregate classification (germline): Uncertain significance (1 of 4 stars; one submission).

Conditions:
Fanconi anemia (FA). Also called: Fanconi's anemia. Identifiers: Orphanet 84, MedGen C0015625, MeSH D005199, MONDO:0019391.

Allele frequency attached by ClinVar (database versions not stated): gnomAD exomes below 0.00001.
gnomAD v4.1: 1 of 1,614,118 alleles (0.000062%); highest among the groups gnomAD compares: Admixed American, 0.0017%; no homozygotes.

Submission:

Labcorp Genetics (formerly Invitae), Labcorp
Classification: Uncertain significance for Fanconi anemia. Last evaluated: 2022-03-23. Review status: criteria provided, single submitter. Criteria: Invitae Variant Classification Sherloc (09022015). Collection method: clinical testing. Allele origin: germline.
Comment: Algorithms developed to predict the effect of missense changes on protein structure and function are either unavailable or do not agree on the potential impact of this missense change (SIFT: "Deleterious"; PolyPhen-2: "Possibly Damaging"; Align-GVGD: "Class C0"). In summary, the available evidence is currently insufficient to determine the role of this variant in disease. Therefore, it has been classified as a Variant of Uncertain Significance. This variant has not been reported in the literature in individuals affected with SLX4-related conditions. This sequence change replaces glutamic acid, which is acidic and polar, with lysine, which is basic and polar, at codon 484 of the SLX4 protein (p.Glu484Lys). This variant is not present in population databases (gnomAD no frequency).